The following is an entry in ClinVar:

ClinVar aggregate classification (germline): Conflicting classifications of pathogenicity. Review status: criteria provided, conflicting classifications (1 of 4 stars). 3 submissions from 3 submitters: Pathogenic (1); Likely pathogenic (1); Uncertain significance (1). Last evaluated 2021-12-09.

Conditions:
TMEM67-related disorder. Also called: TMEM67-related condition; TMEM67-related disorders. Identifiers: MedGen CN239423.
Joubert syndrome 6 (JBTS6). Identifiers: Orphanet 475, MedGen C1853153, MONDO:0012539, OMIM 610688.

Allele frequency attached by ClinVar (database versions not stated): gnomAD exomes 0.00003.
gnomAD v4.1: 41 of 1,611,930 alleles (0.0025%); highest among the groups gnomAD compares: Non-Finnish European, 0.0033%; no homozygotes.

Submissions (3):

Women's Health and Genetics/Laboratory Corporation of America, LabCorp
Classification: Uncertain significance. Last evaluated: 2021-12-09. Review status: criteria provided, single submitter. Criteria: LabCorp Variant Classification Summary - May 2015. Collection method: clinical testing. Allele origin: germline.
Comment: Variant summary: TMEM67 c.2522A>C (p.Gln841Pro) results in a non-conservative amino acid change in the encoded protein sequence. Three of five in-silico tools predict a benign effect of the variant on protein function. The variant was absent in 251162 control chromosomes (gnomAD). c.2522A>C has been reported in the literature in individuals affected with Joubert Syndrome And Related Disorders (Doherty_2010 and Suzuki_2016). These data indicate that the variant may be associated with disease. To our knowledge, no experimental evidence demonstrating an impact on protein function has been reported. One clinical diagnostic laboratory has submitted clinical-significance assessments for this variant to ClinVar after 2014 and classified the variant as pathogenic. Based on the evidence outlined above, the variant was classified as VUS-possibly pathogenic.

Blueprint Genetics
Classification: Likely pathogenic for TMEM67-related disorders. Last evaluated: 2020-11-27. Review status: criteria provided, single submitter. Criteria: ACMG Guidelines, 2015. Collection method: clinical testing. Allele origin: germline. Affected: yes. Observed: 2 variant alleles.

UW Hindbrain Malformation Research Program, University of Washington
Classification: Pathogenic for Joubert syndrome 6. Last evaluated: 2015-02-23. Review status: criteria provided, single submitter. Criteria: Bachmann-Gagescu et al. (J Med Genet. 2015). Collection method: research. Allele origin: unknown. Affected: yes.

Literature cited by the submitters: PubMed 26092869 (cited by Women's Health and Genetics/Laboratory Corporation of America, LabCorp); PubMed 28497568 (cited by Women's Health and Genetics/Laboratory Corporation of America, LabCorp); PubMed 19574260 (cited by Women's Health and Genetics/Laboratory Corporation of America, LabCorp); PubMed 30055837 (cited by Women's Health and Genetics/Laboratory Corporation of America, LabCorp); PubMed 29146704 (cited by Women's Health and Genetics/Laboratory Corporation of America, LabCorp); PubMed 28125082 (cited by Women's Health and Genetics/Laboratory Corporation of America, LabCorp); PubMed 28771248 (cited by Women's Health and Genetics/Laboratory Corporation of America, LabCorp); PubMed 32000717 (cited by Women's Health and Genetics/Laboratory Corporation of America, LabCorp); PubMed 28508964 (cited by Women's Health and Genetics/Laboratory Corporation of America, LabCorp); PubMed 27434533 (cited by Women's Health and Genetics/Laboratory Corporation of America, LabCorp).

NM_153704.6(TMEM67):c.2522A>C (p.Gln841Pro)

Gene: TMEM67 (transmembrane protein 67; plus strand). Cytogenetic location: 8q22.1.
Variant type: single nucleotide variant.
Coding change: c.2522A>C on transcript NM_153704.6 (MANE Select); coding-DNA position 2522, A replaced by C.
Protein change: p.Gln841Pro; replaces glutamine 841 with proline.
Molecular consequence: missense variant. On other transcripts: non-coding transcript variant (1).
Genome position (GRCh38, 1-based): chr8:93,808,922, A>C. VCF-style: chr8-93808922-A-C. GRCh37 (hg19) VCF-style: chr8-94821150-A-C.
Other names: c.2279A>C, p.Gln760Pro (NM_001142301.1); short protein forms Q760P, Q841P.
Identifiers: ClinVar variation 217723 (VCV000217723.3), dbSNP rs863225234, ClinGen allele CA279405.
Genomic context (GRCh38, chr8:93,808,922, plus strand): 5'-GTTTGGTACCCAACACAGATGGTCAGACTTTTGAGATTGCAATTTCTAACCAGATGAGAC[A>C]ACATTATGACAGAATTCATGAGACACTAATAAGGGTTTGTATAAAGTACAGTTCAGATAT-3'
Protein context (NP_714915.3, residues 831-851): FEIAISNQMR[Gln841Pro]HYDRIHETLI